The following is an entry in ClinVar:

NM_001371928.1(AHDC1):c.44T>C (p.Val15Ala)

Gene: AHDC1 (AT-hook DNA binding motif containing 1; minus strand). Cytogenetic location: 1p36.11.
Variant type: single nucleotide variant.
Coding change: c.44T>C on transcript NM_001371928.1 (MANE Select); coding-DNA position 44, T replaced by C.
Protein change: p.Val15Ala; replaces valine 15 with alanine.
Molecular consequence: missense variant.
Genome position (GRCh38, 1-based): chr1:27,552,072, A>G on the plus strand (T>C on the coding strand, the complement: AHDC1 is on the minus strand). VCF-style: chr1-27552072-A-G. GRCh37 (hg19) VCF-style: chr1-27878583-A-G.
Other names: c.44T>C, p.Val15Ala (NM_001029882.3); short protein forms V15A.
Identifiers: ClinVar variation 2730228 (VCV002730228.3), dbSNP rs1331591263, ClinGen allele CA339238666.
Genomic context (GRCh38, chr1:27,552,072, plus strand): 5'-GGGGTGGGGGGGCCGCCGGGGTAGTACTTGGGTTCCCGGAGGTAGTCAGGAGAGCTGCAC[A>G]CGGCACTGGAAGTCACCACCAGGCCCTGGGGCTTCACACGCATCCTGACCTTGTCCTCCG-3'
Protein context (NP_001358857.1, residues 5-25): PQGLVVTSSA[Val15Ala]CSSPDYLREP

ClinVar aggregate classification (germline): Uncertain significance (1 of 4 stars; one submission).

Submission:

Labcorp Genetics (formerly Invitae), Labcorp
Classification: Uncertain significance. Last evaluated: 2023-06-30. Review status: criteria provided, single submitter. Criteria: Invitae Variant Classification Sherloc (09022015). Collection method: clinical testing. Allele origin: germline.
Comment: This variant has not been reported in the literature in individuals affected with AHDC1-related conditions. This variant is not present in population databases (gnomAD no frequency). This sequence change replaces valine, which is neutral and non-polar, with alanine, which is neutral and non-polar, at codon 15 of the AHDC1 protein (p.Val15Ala). An algorithm developed to predict the effect of missense changes on protein structure and function (PolyPhen-2) suggests that this variant is likely to be tolerated. In summary, the available evidence is currently insufficient to determine the role of this variant in disease. Therefore, it has been classified as a Variant of Uncertain Significance.